The following is an entry in ClinVar:

ClinVar aggregate classification (germline): Uncertain significance. Review status: criteria provided, multiple submitters, no conflicts (2 of 4 stars). 4 submissions from 3 submitters: Uncertain significance (4). Last evaluated 2024-08-06.

Conditions:
Tangier disease (TGD). Also called: HIGH DENSITY LIPOPROTEIN DEFICIENCY, TANGIER TYPE; HIGH DENSITY LIPOPROTEIN DEFICIENCY, TYPE 1; Cholesterol thesaurismosis. Identifiers: Orphanet 31150, MedGen C0039292, MONDO:0008783, OMIM 205400.
Hypoalphalipoproteinemia, primary, 1. Identifiers: Orphanet 425, MedGen C5231558, MONDO:0011393, OMIM 604091.

Allele frequency attached by ClinVar (database versions not stated): ExAC 0.00002; gnomAD exomes 0.00002 and 0.00003; gnomAD 0.00001; TOPMed 0.00001.
gnomAD v4.1: 46 of 1,614,046 alleles (0.0028%); highest among the groups gnomAD compares: Middle Eastern, 0.033%; no homozygotes.

Submissions (4):

Women's Health and Genetics/Laboratory Corporation of America, LabCorp
Classification: Uncertain significance. Last evaluated: 2024-08-06. Review status: criteria provided, single submitter. Criteria: LabCorp Variant Classification Summary - May 2015. Collection method: clinical testing. Allele origin: germline.
Comment: Variant summary: ABCA1 c.4196C>T (p.Thr1399Met) results in a non-conservative amino acid change in the encoded protein sequence. Three of five in-silico tools predict a benign effect of the variant on protein function. The variant allele was found at a frequency of 1.6e-05 in 251380 control chromosomes. The available data on variant occurrences in the general population are insufficient to allow any conclusion about variant significance. To our knowledge, no occurrence of c.4196C>T in individuals affected with Tangier Disease and no experimental evidence demonstrating its impact on protein function have been reported. ClinVar contains an entry for this variant (Variation ID: 913219). Based on the evidence outlined above, the variant was classified as uncertain significance.

Labcorp Genetics (formerly Invitae), Labcorp
Classification: Uncertain significance. Last evaluated: 2022-05-24. Review status: criteria provided, single submitter. Criteria: Invitae Variant Classification Sherloc (09022015). Collection method: clinical testing. Allele origin: germline.
Comment: In summary, the available evidence is currently insufficient to determine the role of this variant in disease. Therefore, it has been classified as a Variant of Uncertain Significance. Advanced modeling of protein sequence and biophysical properties (such as structural, functional, and spatial information, amino acid conservation, physicochemical variation, residue mobility, and thermodynamic stability) performed at Invitae indicates that this missense variant is not expected to disrupt ABCA1 protein function. ClinVar contains an entry for this variant (Variation ID: 913219). This variant has not been reported in the literature in individuals affected with ABCA1-related conditions. This variant is present in population databases (rs199668464, gnomAD 0.004%). This sequence change replaces threonine, which is neutral and polar, with methionine, which is neutral and non-polar, at codon 1399 of the ABCA1 protein (p.Thr1399Met).

Illumina Laboratory Services, Illumina
Classification: Uncertain significance for Hypoalphalipoproteinemia, primary, 1. Last evaluated: 2017-04-27. Review status: criteria provided, single submitter. Criteria: ICSL Variant Classification Criteria 13 December 2019. Collection method: clinical testing. Allele origin: germline.

Illumina Laboratory Services, Illumina
Classification: Uncertain significance for Tangier disease. Last evaluated: 2017-04-27. Review status: criteria provided, single submitter. Criteria: ICSL Variant Classification Criteria 13 December 2019. Collection method: clinical testing. Allele origin: germline.

NM_005502.4(ABCA1):c.4196C>T (p.Thr1399Met)

Gene: ABCA1 (ATP binding cassette subfamily A member 1; minus strand). Cytogenetic location: 9q31.1.
Variant type: single nucleotide variant.
Coding change: c.4196C>T on transcript NM_005502.4 (MANE Select); coding-DNA position 4196, C replaced by T.
Protein change: p.Thr1399Met; replaces threonine 1399 with methionine.
Molecular consequence: missense variant.
Genome position (GRCh38, 1-based): chr9:104,809,544, G>A on the plus strand (C>T on the coding strand, the complement: ABCA1 is on the minus strand). VCF-style: chr9-104809544-G-A. GRCh37 (hg19) VCF-style: chr9-107571825-G-A.
Other names: short protein forms T1399M.
Identifiers: ClinVar variation 913219 (VCV000913219.7), dbSNP rs199668464, ClinGen allele CA5168205.
Genomic context (GRCh38, chr9:104,809,544, plus strand): 5'-ATACAGCGGGTCCCGAAGCCAGGGTCTTTGGTGAGGGCGTTTAAGAGTTCCAGGGTTCCC[G>A]TGTCCTCAGGAGCATCATTGCTGTGGGTACATGAGAGGCAGCCAGCTTAGTAATTCATTA-3'
Protein context (NP_005493.2, residues 1389-1409): TFVSNDAPED[Thr1399Met]GTLELLNALT